The following is an entry in ClinVar:

NM_000179.3(MSH6):c.3458_3459insTA (p.Met1153fs)

Gene: MSH6 (mutS homolog 6; plus strand). Cytogenetic location: 2p16.3.
Variant type: Insertion.
Coding change: c.3458_3459insTA on transcript NM_000179.3 (MANE Select); coding-DNA positions 3458 to 3459, TA inserted.
Protein change: p.Met1153fs; shifts the reading frame from methionine 1153.
Molecular consequence: frameshift variant.
Genome position: GRCh38 VCF-style: chr2-47804929-T-TTA. GRCh37 (hg19) VCF-style: chr2-48032068-T-TTA.
Other names: c.3068_3069insTA, p.Met1023fs (NM_001281492.2); c.2552_2553insTA, p.Met851fs (NM_001281493.2, NM_001281494.2); c.3554_3555insTA, p.Met1185Ilefs (NM_001406795.1, NM_001406802.1); c.3458_3459insTA, p.Met1153Ilefs (NM_001406796.1, NM_001406800.1, NM_001406808.1 and 1 more transcripts); c.3161_3162insTA, p.Met1054Ilefs (NM_001406797.1, NM_001406801.1, NM_001406805.1 and 10 more transcripts); c.3284_3285insTA, p.Met1095Ilefs (NM_001406798.1); c.2933_2934insTA, p.Met978Ilefs (NM_001406799.1, NM_001406806.1, NM_001406807.1); c.2594_2595insTA, p.Met865Ilefs (NM_001406803.1); and 8 more; short protein forms M1023fs, M1153fs, M851fs.
Identifiers: ClinVar variation 2099704 (VCV002099704.4), dbSNP rs2530799547, ClinGen allele CA2580067146.

ClinVar aggregate classification (germline): Pathogenic (1 of 4 stars; one submission).

Conditions:
Hereditary nonpolyposis colorectal neoplasms. Identifiers: MedGen C0009405, MeSH D003123.

Submission:

Labcorp Genetics (formerly Invitae), Labcorp
Classification: Pathogenic for Hereditary nonpolyposis colorectal neoplasms. Last evaluated: 2022-02-19. Review status: criteria provided, single submitter. Criteria: Invitae Variant Classification Sherloc (09022015). Collection method: clinical testing. Allele origin: germline.
Comment: This variant has not been reported in the literature in individuals affected with MSH6-related conditions. For these reasons, this variant has been classified as Pathogenic. This variant is not present in population databases (gnomAD no frequency). This sequence change creates a premature translational stop signal (p.Met1153Ilefs*32) in the MSH6 gene. It is expected to result in an absent or disrupted protein product. Loss-of-function variants in MSH6 are known to be pathogenic (PMID: 18269114, 24362816).

Literature cited by the submitters: PubMed 18269114; PubMed 24362816.